The following is an entry in ClinVar:

ClinVar aggregate classification (germline): Conflicting classifications of pathogenicity. Review status: criteria provided, conflicting classifications (1 of 4 stars). 7 submissions from 7 submitters: Uncertain significance (5); Likely benign (1). 1 of the submissions does not count toward it. Last evaluated 2026-02-01.

Conditions:
Autosomal recessive limb-girdle muscular dystrophy type 2A (LGMDR1). Also called: LEYDEN-MOEBIUS MUSCULAR DYSTROPHY; MUSCULAR DYSTROPHY, PELVOFEMORAL; Limb-girdle muscular dystrophy, type 2A; Calpainopathy; Muscular dystrophy, limb-girdle, type 2A, Amish. Identifiers: Orphanet 267, MedGen C1869123, MONDO:0009675, OMIM 253600. Disease mechanism: loss of function.
Muscular dystrophy, limb-girdle, autosomal dominant 4. Also called: MUSCULAR DYSTROPHY, LIMB-GIRDLE, TYPE 1I; Calpain-3-related limb-girdle muscular dystrophy D4. Identifiers: Orphanet 565909, MedGen C4748295, MONDO:0029133, OMIM 618129.

Allele frequency attached by ClinVar (database versions not stated): 1000 Genomes Project 30x 0.00016; 1000 Genomes Project 0.00020; gnomAD 0.00045 and 0.00048; TOPMed 0.00051; ESP Exome Variant Server 0.00085.

Submissions (7):

Labcorp Genetics (formerly Invitae), Labcorp
Classification: Likely benign for Autosomal recessive limb-girdle muscular dystrophy type 2A. Last evaluated: 2026-02-01. Review status: criteria provided, single submitter. Criteria: Invitae Variant Classification Sherloc (09022015). Collection method: clinical testing. Allele origin: germline.

Athena Diagnostics
Classification: Uncertain significance. Last evaluated: 2025-08-21. Review status: criteria provided, single submitter. Criteria: Athena Diagnostics Criteria. Collection method: clinical testing. Allele origin: unknown.
Comment: Available data are insufficient to determine the clinical significance of the variant at this time. The frequency of this variant in the general population is higher than would generally be expected for pathogenic variants in this gene. Polyphen and MutationTaster yielded discordant predictions regarding whether this amino acid change is damaging to the protein.

Revvity Omics, Revvity
Classification: Uncertain significance. Last evaluated: 2022-10-13. Review status: criteria provided, single submitter. Criteria: ACMG Guidelines, 2015. Collection method: clinical testing. Allele origin: germline.

Fulgent Genetics
Classification: Uncertain significance for Autosomal recessive limb-girdle muscular dystrophy type 2A; Muscular dystrophy, limb-girdle, autosomal dominant 4. Last evaluated: 2021-07-16. Review status: criteria provided, single submitter. Criteria: ACMG Guidelines, 2015. Collection method: clinical testing. Allele origin: unknown.

Eurofins Ntd Llc (ga)
Classification: Uncertain significance. Last evaluated: 2018-08-02. Review status: criteria provided, single submitter. Criteria: EGL ClinVar v180209 classification definitions. Collection method: clinical testing. Allele origin: germline. Observed: 1 variant allele, 1 heterozygote.

Breakthrough Genomics
Classification: Uncertain significance. Review status: criteria provided, single submitter. Criteria: ACMG Guidelines, 2015. Collection method: not provided. Allele origin: germline. Inheritance: Autosomal recessive inheritance. Affected: yes.

Natera, Inc.
Classification: Uncertain significance for Limb-girdle muscular dystrophy type 2A. Last evaluated: 2020-09-16. Review status: no assertion criteria provided. Collection method: clinical testing. Allele origin: germline. Not counted in ClinVar's aggregate classification.

Literature cited by the submitters: PubMed 30323756 (cited by Athena Diagnostics); PubMed 25898921 (cited by Athena Diagnostics).

NM_000070.3(CAPN3):c.1663G>A (p.Val555Ile)

Gene: CAPN3 (calpain 3; plus strand). Cytogenetic location: 15q15.1.
Variant type: single nucleotide variant.
Coding change: c.1663G>A on transcript NM_000070.3 (MANE Select); coding-DNA position 1663, G replaced by A.
Protein change: p.Val555Ile; replaces valine 555 with isoleucine.
Molecular consequence: missense variant.
Genome position (GRCh38, 1-based): chr15:42,402,920, G>A. VCF-style: chr15-42402920-G-A. GRCh37 (hg19) VCF-style: chr15-42695118-G-A.
Other names: c.1663G>A, p.Val555Ile (NM_024344.2); c.1519G>A, p.Val507Ile (NM_173087.2); c.127G>A, p.Val43Ile (NM_173088.2); short protein forms V555I, V43I, V507I.
Identifiers: ClinVar variation 468644 (VCV000468644.19), dbSNP rs138172448, ClinGen allele CA7511461.